The following is an entry in ClinVar:

ClinVar aggregate classification (germline): Uncertain significance (1 of 4 stars; one submission).

Conditions:
Cardiovascular phenotype. Identifiers: MedGen CN230736.

Submission:

Ambry Genetics
Classification: Uncertain significance for Cardiovascular phenotype. Last evaluated: 2025-06-24. Review status: criteria provided, single submitter. Criteria: Ambry Variant Classification Scheme 2023. Collection method: clinical testing. Allele origin: germline.
Comment: The p.G921S variant (also known as c.2761G>A), located in coding exon 12 of the KCNH2 gene, results from a G to A substitution at nucleotide position 2761. The glycine at codon 921 is replaced by serine, an amino acid with similar properties. This amino acid position is well conserved in available vertebrate species. In addition, the in silico prediction for this alteration is inconclusive. Based on the available evidence, the clinical significance of this variant remains unclear.

NM_000238.4(KCNH2):c.2761G>A (p.Gly921Ser)

Gene: KCNH2 (potassium voltage-gated channel subfamily H member 2; minus strand). Cytogenetic location: 7q36.1.
Variant type: single nucleotide variant.
Coding change: c.2761G>A on transcript NM_000238.4 (MANE Select); coding-DNA position 2761, G replaced by A.
Protein change: p.Gly921Ser; replaces glycine 921 with serine.
Molecular consequence: missense variant.
Genome position (GRCh38, 1-based): chr7:150,947,810, C>T on the plus strand (G>A on the coding strand, the complement: KCNH2 is on the minus strand). VCF-style: chr7-150947810-C-T. GRCh37 (hg19) VCF-style: chr7-150644898-C-T.
Other names: c.2473G>A, p.Gly825Ser (NM_001406753.1); c.1741G>A, p.Gly581Ser (NM_172057.3); short protein forms G581S, G921S, G825S.
Identifiers: ClinVar variation 4090315 (VCV004090315.1).